The following is an entry in ClinVar:

NM_001009944.3(PKD1):c.4369T>C (p.Ser1457Pro)

Gene: PKD1 (polycystin 1, transient receptor potential channel interacting; minus strand). Cytogenetic location: 16p13.3.
Variant type: single nucleotide variant.
Coding change: c.4369T>C on transcript NM_001009944.3 (MANE Select); coding-DNA position 4369, T replaced by C.
Protein change: p.Ser1457Pro; replaces serine 1457 with proline.
Molecular consequence: missense variant.
Genome position (GRCh38, 1-based): chr16:2,110,798, A>G on the plus strand (T>C on the coding strand, the complement: PKD1 is on the minus strand). VCF-style: chr16-2110798-A-G. GRCh37 (hg19) VCF-style: chr16-2160799-A-G.
Other names: c.4369T>C, p.Ser1457Pro (NM_000296.4); short protein forms S1457P.
Identifiers: ClinVar variation 4887162 (VCV004887162.1).

ClinVar aggregate classification (germline): Uncertain significance (1 of 4 stars; one submission).

Submission:

Women's Health and Genetics/Laboratory Corporation of America, LabCorp
Classification: Uncertain significance. Last evaluated: 2026-06-30. Review status: criteria provided, single submitter. Criteria: LabCorp Variant Classification Summary - May 2015. Collection method: clinical testing. Allele origin: germline.
Comment: Variant summary: PKD1 c.4369T>C (p.Ser1457Pro) results in a non-conservative amino acid change in the encoded protein sequence. Algorithms developed to predict the effect of missense changes on protein structure and function are either unavailable or do not agree on the potential impact of this missense change. The variant was absent in 249686 control chromosomes. The available data on variant occurrences in the general population are insufficient to allow any conclusion about variant significance. To our knowledge, no occurrence of c.4369T>C in individuals affected with PKD1-related conditions and no experimental evidence demonstrating its impact on protein function have been reported. No submitters have cited clinical-significance assessments for this variant to ClinVar. Based on the evidence outlined above, the variant was classified as uncertain significance.